The following is an entry in ClinVar:

ClinVar aggregate classification (germline): Benign/Likely benign. Review status: criteria provided, multiple submitters, no conflicts (2 of 4 stars). 3 submissions from 3 submitters: Benign (1); Likely benign (2). Last evaluated 2025-11-22.

Conditions:
Tuberous sclerosis 1 (TSC1). Identifiers: Orphanet 805, MedGen C1854465, MONDO:0008612, OMIM 191100.
Hereditary cancer-predisposing syndrome. Also called: Hereditary neoplastic syndrome; Tumor predisposition; Neoplastic Syndromes, Hereditary; Hereditary Cancer Syndrome. Identifiers: Orphanet 140162, MedGen C0027672, MeSH D009386, MONDO:0015356.

Allele frequency attached by ClinVar (database versions not stated): TOPMed 0.00001.
gnomAD v4.1: 2 of 1,614,258 alleles (0.00012%); highest among the groups gnomAD compares: Admixed American, 0.0017%; no homozygotes.

Submissions (3):

Labcorp Genetics (formerly Invitae), Labcorp
Classification: Likely benign for Tuberous sclerosis 1. Last evaluated: 2025-11-22. Review status: criteria provided, single submitter. Criteria: Invitae Variant Classification Sherloc (09022015). Collection method: clinical testing. Allele origin: germline.

Myriad Genetics, Inc.
Classification: Benign for Tuberous sclerosis 1. Last evaluated: 2025-04-08. Review status: criteria provided, single submitter. Criteria: Myriad Autosomal Dominant, Autosomal Recessive and X-Linked Classification Criteria (2023). Collection method: clinical testing. Allele origin: unknown.
Comment: This variant is considered benign. This variant is a silent/synonymous amino acid change and it is not expected to impact splicing.

Ambry Genetics
Classification: Likely benign for Hereditary cancer-predisposing syndrome. Last evaluated: 2018-03-22. Review status: criteria provided, single submitter. Criteria: Ambry Variant Classification Scheme 2023. Collection method: clinical testing. Allele origin: germline.

NM_000368.5(TSC1):c.342T>G (p.Pro114=)

Gene: TSC1 (TSC complex subunit 1; minus strand). Cytogenetic location: 9q34.13.
Variant type: single nucleotide variant.
Coding change: c.342T>G on transcript NM_000368.5 (MANE Select); coding-DNA position 342, T replaced by G.
Protein change: p.Pro114=; no amino-acid change (proline 114 retained).
Molecular consequence: synonymous variant. On other transcripts: 5 prime UTR variant (1), intron variant (1).
Genome position (GRCh38, 1-based): chr9:132,925,608, A>C on the plus strand (T>G on the coding strand, the complement: TSC1 is on the minus strand). VCF-style: chr9-132925608-A-C. GRCh37 (hg19) VCF-style: chr9-135800995-A-C.
Other names: c.342T>G, p.Pro114= (NM_001162426.2); c.-22T>G (NM_001362177.2); c.210+1593T>G (NM_001162427.2).
Identifiers: ClinVar variation 1139658 (VCV001139658.12), dbSNP rs754220721, ClinGen allele CA037036.